The following is an entry in ClinVar:

ClinVar aggregate classification (germline): Uncertain significance (1 of 4 stars; one submission).

Conditions:
Immunodeficiency 19 (IMD19). Also called: CD3-DELTA DEFICIENCY; SEVERE COMBINED IMMUNODEFICIENCY, T CELL-NEGATIVE, B CELL-POSITIVE, NK CELL-POSITIVE; SCID, T CELL-NEGATIVE, B CELL-POSITIVE, NK CELL-POSITIVE; IMMUNODEFICIENCY 19, SEVERE COMBINED. Identifiers: MedGen C3810147, MONDO:0014280, OMIM 615617.

Allele frequency attached by ClinVar (database versions not stated): gnomAD 0.00001; TOPMed below 0.00001.

Submission:

Labcorp Genetics (formerly Invitae), Labcorp
Classification: Uncertain significance for Immunodeficiency 19. Last evaluated: 2020-10-16. Review status: criteria provided, single submitter. Criteria: Invitae Variant Classification Sherloc (09022015). Collection method: clinical testing. Allele origin: germline.
Comment: In summary, the available evidence is currently insufficient to determine the role of this variant in disease. Therefore, it has been classified as a Variant of Uncertain Significance. Algorithms developed to predict the effect of missense changes on protein structure and function are either unavailable or do not agree on the potential impact of this missense change (SIFT: "Tolerated"; PolyPhen-2: "Probably Damaging"; Align-GVGD: "Class C0"). This variant has not been reported in the literature in individuals with CD3D-related conditions. This variant is not present in population databases (ExAC no frequency). This sequence change replaces leucine with phenylalanine at codon 7 of the CD3D protein (p.Leu7Phe). The leucine residue is highly conserved and there is a small physicochemical difference between leucine and phenylalanine.

NM_000732.6(CD3D):c.19C>T (p.Leu7Phe)

Gene: CD3D (CD3 delta subunit of T-cell receptor complex; minus strand). Cytogenetic location: 11q23.3.
Variant type: single nucleotide variant.
Coding change: c.19C>T on transcript NM_000732.6 (MANE Select); coding-DNA position 19, C replaced by T.
Protein change: p.Leu7Phe; replaces leucine 7 with phenylalanine.
Molecular consequence: missense variant.
Genome position (GRCh38, 1-based): chr11:118,342,589, G>A on the plus strand (C>T on the coding strand, the complement: CD3D is on the minus strand). VCF-style: chr11-118342589-G-A. GRCh37 (hg19) VCF-style: chr11-118213304-G-A.
Other names: c.19C>T, p.Leu7Phe (NM_001040651.2); short protein forms L7F.
Identifiers: ClinVar variation 1043227 (VCV001043227.6), dbSNP rs1357653391, ClinGen allele CA382790655.